The following is an entry in ClinVar:

NM_001384910.1(GUCA1A):c.184A>C (p.Thr62Pro)

Genes: GUCA1A (guanylate cyclase activator 1A; plus strand), GUCA1ANB-GUCA1A (GUCA1ANB-GUCA1A readthrough; plus strand). Cytogenetic location: 6p21.1.
Variant type: single nucleotide variant.
Coding change: c.184A>C on transcript NM_001384910.1 (MANE Select); coding-DNA position 184, A replaced by C.
Protein change: p.Thr62Pro; replaces threonine 62 with proline.
Molecular consequence: missense variant.
Genome position (GRCh38, 1-based): chr6:42,173,797, A>C. VCF-style: chr6-42173797-A-C. GRCh37 (hg19) VCF-style: chr6-42141535-A-C.
Other names: c.184A>C, p.Thr62Pro (NM_000409.5, NM_001319061.2, NM_001319062.2); short protein forms T62P.
Identifiers: ClinVar variation 1802229 (VCV001802229.3), dbSNP rs2546714245, ClinGen allele CA364106159.

ClinVar aggregate classification (germline): Uncertain significance (1 of 4 stars; one submission).

Conditions:
Cone dystrophy 3 (COD3). Also called: RETINAL CONE DYSTROPHY. Identifiers: Orphanet 1872, MedGen C1865869, MONDO:0011193, OMIM 602093.

Submission:

Diagnostics Services (NGS), CSIR - Centre For Cellular And Molecular Biology
Classification: Uncertain significance for Cone dystrophy 3. Last evaluated: 2022-08-24. Review status: criteria provided, single submitter. Criteria: ACMG Guidelines, 2015. Collection method: clinical testing. Allele origin: unknown. Affected: yes. Observed: 1 variant allele, 1 heterozygote.
Comment: The c.184A>C variant is not present in publicly available population databases like 1000 Genomes, EVS, gnomAD and Indian Exome Database. The variant is not present in our in-house exome database. The variant has not been published in literature and/or reported to clinical databases like ClinVar, HGMD or OMIM, in any affected individuals. In-silico pathogenicity prediction programs like SIFT, PolyPhen-2, MutationTaster2, CADD, etc. predicted this variant to be likely deleterious, however these predictions were not confirmed by any published functional studies.